The following is an entry in ClinVar:

NM_001364905.1(LRBA):c.4674G>T (p.Arg1558Ser)

Gene: LRBA (LPS responsive beige-like anchor protein; minus strand). Cytogenetic location: 4q31.3.
Variant type: single nucleotide variant.
Coding change: c.4674G>T on transcript NM_001364905.1 (MANE Select); coding-DNA position 4674, G replaced by T.
Protein change: p.Arg1558Ser; replaces arginine 1558 with serine.
Molecular consequence: missense variant.
Genome position (GRCh38, 1-based): chr4:150,831,872, C>A on the plus strand (G>T on the coding strand, the complement: LRBA is on the minus strand). VCF-style: chr4-150831872-C-A. GRCh37 (hg19) VCF-style: chr4-151753024-C-A.
Other names: c.4674G>T, p.Arg1558Ser (NM_001199282.3, NM_001367550.1, NM_006726.5); short protein forms R1558S.
Identifiers: ClinVar variation 1524909 (VCV001524909.7), dbSNP rs150854432, ClinGen allele CA3102688.
Genomic context (GRCh38, chr4:150,831,872, plus strand): 5'-CTTACCAGAGAGTGATACATTCTCATTTTCACTGCCAGTTTCTGTACATGACTGGCTATG[C>A]CTTTCATTTTGGGGTTCCAAAATGTCTCTGTACTTGGAGACCATAAGAACAGAGATAAAG-3'
Protein context (NP_001351834.1, residues 1548-1568): YRDILEPQNE[Arg1558Ser]HSQSCTETGS

ClinVar aggregate classification (germline): Uncertain significance. Review status: criteria provided, multiple submitters, no conflicts (2 of 4 stars). 2 submissions from 2 submitters: Uncertain significance (2). Last evaluated 2026-01-23.

Conditions:
Combined immunodeficiency due to LRBA deficiency. Also called: Common variable immunodeficiency 8, with autoimmunity. Identifiers: Orphanet 445018, MedGen C3553512, MONDO:0013863, OMIM 614700.

Allele frequency attached by ClinVar (database versions not stated): ExAC 0.00002; 1000 Genomes Project 30x 0.00016; 1000 Genomes Project 0.00020.
gnomAD v4.1: 26 of 1,604,884 alleles (0.0016%); highest among the groups gnomAD compares: Non-Finnish European, 0.0022%; no homozygotes.

Submissions (2):

Women's Health and Genetics/Laboratory Corporation of America, LabCorp
Classification: Uncertain significance. Last evaluated: 2026-01-23. Review status: criteria provided, single submitter. Criteria: LabCorp Variant Classification Summary - May 2015. Collection method: clinical testing. Allele origin: germline.

Labcorp Genetics (formerly Invitae), Labcorp
Classification: Uncertain significance for Combined immunodeficiency due to LRBA deficiency. Last evaluated: 2021-08-27. Review status: criteria provided, single submitter. Criteria: Invitae Variant Classification Sherloc (09022015). Collection method: clinical testing. Allele origin: germline.
Comment: In summary, the available evidence is currently insufficient to determine the role of this variant in disease. Therefore, it has been classified as a Variant of Uncertain Significance. Algorithms developed to predict the effect of missense changes on protein structure and function (SIFT, PolyPhen-2, Align-GVGD) all suggest that this variant is likely to be tolerated. This variant has not been reported in the literature in individuals affected with LRBA-related conditions. This variant is present in population databases (rs150854432, ExAC 0.003%). This sequence change replaces arginine with serine at codon 1558 of the LRBA protein (p.Arg1558Ser). The arginine residue is weakly conserved and there is a moderate physicochemical difference between arginine and serine.